The following is an entry in ClinVar:

NM_006393.3(NEBL):c.1228-4A>T

Gene: NEBL (nebulette; minus strand). Cytogenetic location: 10p12.31.
Variant type: single nucleotide variant.
Coding change: c.1228-4A>T on transcript NM_006393.3 (MANE Select); 4 bases into the intron before coding-DNA position 1228, A replaced by T.
Molecular consequence: intron variant.
Genome position (GRCh38, 1-based): chr10:20,840,853, T>A on the plus strand (A>T on the coding strand, the complement: NEBL is on the minus strand). VCF-style: chr10-20840853-T-A. GRCh37 (hg19) VCF-style: chr10-21129782-T-A.
Other names: c.250-27913A>T (NM_001377326.1, NM_001377327.1, NM_001377328.1); c.358-27913A>T (NM_213569.2, NM_001173484.2, NM_001377322.1); c.301-27913A>T (NM_001377324.1); c.292-27913A>T (NM_001377325.1); c.310-27913A>T (NM_001377323.1).
Identifiers: ClinVar variation 2912079 (VCV002912079.3), dbSNP rs1330237746, ClinGen allele CA2739265320.
Genomic context (GRCh38, chr10:20,840,853, plus strand): 5'-ATTAAGTTCCATTCCTTTCCCTTTTATCTCATTTTCCAAATCTTTTTTATATTCTTTCTA[T>A]GAGACAAGAATATCACAGTTCAAAACTTAGCAGGAATCACTTTATTCAGTGTGCTATTCT-3'

ClinVar aggregate classification (germline): Uncertain significance (1 of 4 stars; one submission).

Conditions:
Primary dilated cardiomyopathy (DCM). Also called: Dilated Cardiomyopathy. Identifiers: Orphanet 217604, MedGen C0007193, MeSH D002311, MONDO:0005021, HP:0001644. Inheritance: Various modes of inheritance.

Submission:

Labcorp Genetics (formerly Invitae), Labcorp
Classification: Uncertain significance for Primary dilated cardiomyopathy. Last evaluated: 2023-05-05. Review status: criteria provided, single submitter. Criteria: Invitae Variant Classification Sherloc (09022015). Collection method: clinical testing. Allele origin: germline.
Comment: In summary, the available evidence is currently insufficient to determine the role of this variant in disease. Therefore, it has been classified as a Variant of Uncertain Significance. Algorithms developed to predict the effect of sequence changes on RNA splicing suggest that this variant may create or strengthen a splice site. This variant has not been reported in the literature in individuals affected with NEBL-related conditions. This variant is not present in population databases (gnomAD no frequency). This sequence change falls in intron 12 of the NEBL gene. It does not directly change the encoded amino acid sequence of the NEBL protein.